The following is an entry in ClinVar:

ClinVar aggregate classification (germline): Uncertain significance (1 of 4 stars; one submission).

Submission:

Labcorp Genetics (formerly Invitae), Labcorp
Classification: Uncertain significance. Last evaluated: 2024-08-08. Review status: criteria provided, single submitter. Criteria: Invitae Variant Classification Sherloc (09022015). Collection method: clinical testing. Allele origin: germline.
Comment: This sequence change replaces glycine, which is neutral and non-polar, with arginine, which is basic and polar, at codon 253 of the COL9A3 protein (p.Gly253Arg). This variant is not present in population databases (gnomAD no frequency). This variant has not been reported in the literature in individuals affected with COL9A3-related conditions. Advanced modeling of protein sequence and biophysical properties (such as structural, functional, and spatial information, amino acid conservation, physicochemical variation, residue mobility, and thermodynamic stability) performed at Invitae indicates that this missense variant is expected to disrupt COL9A3 protein function with a positive predictive value of 95%. In summary, the available evidence is currently insufficient to determine the role of this variant in disease. Therefore, it has been classified as a Variant of Uncertain Significance.

NM_001853.4(COL9A3):c.757G>A (p.Gly253Arg)

Gene: COL9A3 (collagen type IX alpha 3 chain; plus strand). Cytogenetic location: 20q13.33.
Variant type: single nucleotide variant.
Coding change: c.757G>A on transcript NM_001853.4 (MANE Select); coding-DNA position 757, G replaced by A.
Protein change: p.Gly253Arg; replaces glycine 253 with arginine.
Molecular consequence: missense variant.
Genome position (GRCh38, 1-based): chr20:62,826,785, G>A. VCF-style: chr20-62826785-G-A. GRCh37 (hg19) VCF-style: chr20-61458137-G-A.
Other names: short protein forms G253R.
Identifiers: ClinVar variation 3637715 (VCV003637715.2).
Genomic context (GRCh38, chr20:62,826,785, plus strand): 5'-GCCTCAGACAAGAGGACCCCGGATCCCCTCTCTCCTCTGCAGGGTCCCATTGGGTTCCGA[G>A]GGCCGCCTGGGATCCCAGGAGCGCCTGGGAAAGCGGTACGTGTGTCAGTGGACGGTGGGC-3'
Protein context (NP_001844.3, residues 243-263): PGDRGPIGFR[Gly253Arg]PPGIPGAPGK